The following is an entry in ClinVar:

ClinVar aggregate classification (germline): Uncertain significance. Review status: criteria provided, multiple submitters, no conflicts (2 of 4 stars). 2 submissions from 2 submitters: Uncertain significance (2). Last evaluated 2025-11-19.

Conditions:
Inborn genetic diseases. Identifiers: MedGen C0950123, MeSH D030342.

Allele frequency attached by ClinVar (database versions not stated): TOPMed below 0.00001; ExAC 0.00002.
gnomAD v4.1: 15 of 1,613,838 alleles (0.00093%); highest among the groups gnomAD compares: South Asian, 0.0044%; no homozygotes.

Submissions (2):

Labcorp Genetics (formerly Invitae), Labcorp
Classification: Uncertain significance. Last evaluated: 2025-11-19. Review status: criteria provided, single submitter. Criteria: Invitae Variant Classification Sherloc (09022015). Collection method: clinical testing. Allele origin: germline.
Comment: This sequence change replaces arginine, which is basic and polar, with cysteine, which is neutral and slightly polar, at codon 704 of the MYH3 protein (p.Arg704Cys). This variant is present in population databases (rs749426283, gnomAD 0.003%). This variant has not been reported in the literature in individuals affected with MYH3-related conditions. ClinVar contains an entry for this variant (Variation ID: 3157586). Invitae Evidence Modeling of protein sequence and biophysical properties (such as structural, functional, and spatial information, amino acid conservation, physicochemical variation, residue mobility, and thermodynamic stability) has been performed for this missense variant. However, the output from this modeling did not meet the statistical confidence thresholds required to predict the impact of this variant on MYH3 protein function. In summary, the available evidence is currently insufficient to determine the role of this variant in disease. Therefore, it has been classified as a Variant of Uncertain Significance.

Ambry Genetics
Classification: Uncertain significance for Inborn genetic diseases. Last evaluated: 2024-01-03. Review status: criteria provided, single submitter. Criteria: Ambry Variant Classification Scheme 2023. Collection method: clinical testing. Allele origin: germline.

NM_002470.4(MYH3):c.2110C>T (p.Arg704Cys)

Gene: MYH3 (myosin heavy chain 3; minus strand). Cytogenetic location: 17p13.1.
Variant type: single nucleotide variant.
Coding change: c.2110C>T on transcript NM_002470.4 (MANE Select); coding-DNA position 2110, C replaced by T.
Protein change: p.Arg704Cys; replaces arginine 704 with cysteine.
Molecular consequence: missense variant.
Genome position (GRCh38, 1-based): chr17:10,641,140, G>A on the plus strand (C>T on the coding strand, the complement: MYH3 is on the minus strand). VCF-style: chr17-10641140-G-A. GRCh37 (hg19) VCF-style: chr17-10544457-G-A.
Other names: short protein forms R704C.
Identifiers: ClinVar variation 3157586 (VCV003157586.2), dbSNP rs749426283, ClinGen allele CA8392843.
Genomic context (GRCh38, chr17:10,641,140, plus strand): 5'-CACACCTTTGTTTAAAATCGCCATAGAGAATCCTGTTTGGGAACCCTTTCCTGCAGATGC[G>A]GATGCCCTCCAGGACACCGTTACACCGCAGCTGGTGCAGAACAAGGCTGTGTTCCATAGC-3'
Protein context (NP_002461.2, residues 694-714): LRCNGVLEGI[Arg704Cys]ICRKGFPNRI